The following is an entry in ClinVar:

NM_138694.4(PKHD1):c.*3026A>G

Gene: PKHD1 (PKHD1 ciliary IPT domain containing fibrocystin/polyductin; minus strand). Cytogenetic location: 6p12.3.
Variant type: single nucleotide variant.
Coding change: c.*3026A>G on transcript NM_138694.4 (MANE Select); 3026 bases downstream of the stop codon, A replaced by G.
Molecular consequence: 3 prime UTR variant.
Genome position (GRCh38, 1-based): chr6:51,616,055, T>C on the plus strand (A>G on the coding strand, the complement: PKHD1 is on the minus strand). VCF-style: chr6-51616055-T-C. GRCh37 (hg19) VCF-style: chr6-51480853-T-C.
Identifiers: ClinVar variation 357362 (VCV000357362.6), dbSNP rs2784199, ClinGen allele CA10627167.
Genomic context (GRCh38, chr6:51,616,055, plus strand): 5'-AACAACCGTGGCTCCATATATACTTCTTTCTCAATTTTGAAATCTATAAATATTTATAGA[T>C]GTTCTTTATTTGACAAATAAAAATTGTATATATTTATCATGTACAACTCGATAGTTTGAA-3'

ClinVar aggregate classification (germline): Benign. Review status: criteria provided, multiple submitters, no conflicts (2 of 4 stars). 2 submissions from 2 submitters: Benign (2). Last evaluated 2018-01-12.

Conditions:
Autosomal recessive polycystic kidney disease (ARPKD). Also called: AR polycystic kidney disease. Identifiers: Orphanet 731, Orphanet 8378, MedGen C0085548, MeSH D017044, MONDO:0009889.

Allele frequency attached by ClinVar (database versions not stated): gnomAD 0.70489 and 0.70638; TOPMed 0.71829; 1000 Genomes Project 0.75479; 1000 Genomes Project 30x 0.75531.

Submissions (2):

Illumina Laboratory Services, Illumina
Classification: Benign for Polycystic kidney disease 4. Last evaluated: 2018-01-12. Review status: criteria provided, single submitter. Criteria: ICSL Variant Classification Criteria 13 December 2019. Collection method: clinical testing. Allele origin: germline.
Comment: This variant was observed in the ICSL laboratory as part of a predisposition screen in an ostensibly healthy population. It had not been previously curated by ICSL or reported in the Human Gene Mutation Database (HGMD: prior to June 1st, 2018), and was therefore a candidate for classification through an automated scoring system. Utilizing variant allele frequency, disease prevalence and penetrance estimates, and inheritance mode, an automated score was calculated to assess if this variant is too frequent to cause the disease. Based on the score and internal cut-off values, a variant classified as benign is not then subjected to further curation. The score for this variant resulted in a classification of benign for this disease.

Department of Pathology and Laboratory Medicine, Sinai Health System
Classification: Benign for autosomal recessive polycystic kidney disease. Last evaluated: 2016-02-19. Review status: criteria provided, single submitter. Criteria: ACMG Guidelines, 2015. Collection method: clinical testing. Allele origin: germline.